The following is an entry in ClinVar:

ClinVar aggregate classification (germline): Uncertain significance (1 of 4 stars; one submission).

Submission:

Dasa
Classification: Uncertain significance. Last evaluated: 2025-01-10. Review status: criteria provided, single submitter. Criteria: DASA Assertion Criteria. Collection method: clinical testing. Allele origin: germline.
Comment: NM_001012614.2(CTBP1):c.7G>A (p.Gly3Ser) is a missense variant that results in the substitution of glycine with serine. This variant is absent from population databases. Computational prediction algorithms are consistent with a benign effect. The currently available literature and clinical evidence are not sufficient to establish a definitive association between this variant and the reported condition. Therefore, this variant is classified as a variant of uncertain significance.

NM_001012614.2(CTBP1):c.7G>A (p.Gly3Ser)

Gene: CTBP1 (C-terminal binding protein 1; minus strand). Cytogenetic location: 4p16.3.
Variant type: single nucleotide variant.
Coding change: c.7G>A on transcript NM_001012614.2 (MANE Select); coding-DNA position 7, G replaced by A.
Protein change: p.Gly3Ser; replaces glycine 3 with serine.
Molecular consequence: missense variant. On other transcripts: intron variant (2).
Genome position (GRCh38, 1-based): chr4:1,241,325, C>T on the plus strand (G>A on the coding strand, the complement: CTBP1 is on the minus strand). VCF-style: chr4-1241325-C-T. GRCh37 (hg19) VCF-style: chr4-1235113-C-T.
Other names: c.7G>A, p.Gly3Ser (NM_001377187.1, NM_001377188.1, NM_001377189.1 and 4 more transcripts); c.41-2988G>A (NM_001328.3, NM_001377186.1); short protein forms G3S.
Identifiers: ClinVar variation 5021018 (VCV005021018.1).
Genomic context (GRCh38, chr4:1,241,325, plus strand): 5'-ACGGTCGCAAAGAGACCGGCCGGCTTCACTCTGCCGCCGACGCCAGGAACCCCTACCAAC[C>T]TGACATCTCTTAATATGGGCTCAGCTTCCACGACCATGAATTCGACTTTTCAAAGCTTTT-3'
Protein context (NP_001012632.1, residues 1-13): MS[Gly3Ser]VRPPIMNGPL